The following is an entry in ClinVar:

NM_003737.4(DCHS1):c.2159T>C (p.Leu720Pro)

Gene: DCHS1 (dachsous cadherin-related 1; minus strand). Cytogenetic location: 11p15.4.
Variant type: single nucleotide variant.
Coding change: c.2159T>C on transcript NM_003737.4 (MANE Select); coding-DNA position 2159, T replaced by C.
Protein change: p.Leu720Pro; replaces leucine 720 with proline.
Molecular consequence: missense variant.
Genome position (GRCh38, 1-based): chr11:6,633,848, A>G on the plus strand (T>C on the coding strand, the complement: DCHS1 is on the minus strand). VCF-style: chr11-6633848-A-G. GRCh37 (hg19) VCF-style: chr11-6655079-A-G.
Other names: short protein forms L720P.
Identifiers: ClinVar variation 5040674 (VCV005040674.1).

ClinVar aggregate classification (germline): Uncertain significance (1 of 4 stars; one submission).

Submission:

CeGaT Center for Human Genetics Tuebingen
Classification: Uncertain significance. Last evaluated: 2026-08-01. Review status: criteria provided, single submitter. Criteria: CeGaT Center For Human Genetics Tuebingen Variant Classification Criteria Version 2. Collection method: clinical testing. Allele origin: germline. Affected: yes. Observed: 1 variant allele.
Comment: DCHS1: PM2